The following is an entry in ClinVar:

ClinVar aggregate classification (germline): Uncertain significance (1 of 4 stars; one submission).

Submission:

GeneDx
Classification: Uncertain significance. Last evaluated: 2025-07-17. Review status: criteria provided, single submitter. Criteria: GeneDx Variant Classification Process June 2021. Collection method: clinical testing. Allele origin: germline. Affected: yes.
Comment: Not observed at significant frequency in large population cohorts (gnomAD); In silico analysis suggests that this missense variant does not alter protein structure/function; Has not been previously published as pathogenic or benign to our knowledge

NM_001077653.2(TBX20):c.454A>G (p.Ile152Val)

Gene: TBX20 (T-box transcription factor 20; minus strand). Cytogenetic location: 7p14.2.
Variant type: single nucleotide variant.
Coding change: c.454A>G on transcript NM_001077653.2 (MANE Select); coding-DNA position 454, A replaced by G.
Protein change: p.Ile152Val; replaces isoleucine 152 with valine.
Molecular consequence: missense variant.
Genome position (GRCh38, 1-based): chr7:35,248,768, T>C on the plus strand (A>G on the coding strand, the complement: TBX20 is on the minus strand). VCF-style: chr7-35248768-T-C. GRCh37 (hg19) VCF-style: chr7-35288380-T-C.
Other names: c.454A>G, p.Ile152Val (NM_001166220.1); short protein forms I152V.
Identifiers: ClinVar variation 4686543 (VCV004686543.1).